The following is an entry in ClinVar:

NM_004656.4(BAP1):c.1108C>G (p.Pro370Ala)

Gene: BAP1 (BRCA1 associated deubiquitinase 1; minus strand). Cytogenetic location: 3p21.1.
Variant type: single nucleotide variant.
Coding change: c.1108C>G on transcript NM_004656.4 (MANE Select); coding-DNA position 1108, C replaced by G.
Protein change: p.Pro370Ala; replaces proline 370 with alanine.
Molecular consequence: missense variant.
Genome position (GRCh38, 1-based): chr3:52,405,118, G>C on the plus strand (C>G on the coding strand, the complement: BAP1 is on the minus strand). VCF-style: chr3-52405118-G-C. GRCh37 (hg19) VCF-style: chr3-52439134-G-C.
Other names: c.1054C>G, p.Pro352Ala (NM_001410772.1); short protein forms P370A, P352A.
Identifiers: ClinVar variation 2585684 (VCV002585684.2), dbSNP rs2153226991, ClinGen allele CA353105115.

ClinVar aggregate classification (germline): Uncertain significance (1 of 4 stars; one submission).

Conditions:
Hereditary cancer-predisposing syndrome. Also called: Hereditary neoplastic syndrome; Tumor predisposition; Hereditary Cancer Syndrome; Neoplastic Syndromes, Hereditary. Identifiers: Orphanet 140162, MedGen C0027672, MeSH D009386, MONDO:0015356.

Submission:

Ambry Genetics
Classification: Uncertain significance for Hereditary cancer-predisposing syndrome. Last evaluated: 2023-09-04. Review status: criteria provided, single submitter. Criteria: Ambry Variant Classification Scheme 2023. Collection method: clinical testing. Allele origin: germline.
Comment: The p.P370A variant (also known as c.1108C>G), located in coding exon 11 of the BAP1 gene, results from a C to G substitution at nucleotide position 1108. The proline at codon 370 is replaced by alanine, an amino acid with highly similar properties. This amino acid position is conserved. In addition, the in silico prediction for this alteration is inconclusive. Since supporting evidence is limited at this time, the clinical significance of this alteration remains unclear.